The following is an entry in ClinVar:

ClinVar aggregate classification (germline): Benign/Likely benign. Review status: criteria provided, multiple submitters, no conflicts (2 of 4 stars). 22 submissions from 16 submitters: Benign (8); Likely benign (11). 3 of the submissions do not count toward it. Last evaluated 2026-09-01.

Conditions:
Geleophysic dysplasia. Identifiers: Orphanet 2623, MedGen C3489726, MONDO:0000127.
Weill-Marchesani syndrome. Also called: WM Syndrome; Mesodermal dysmorphodystrophy congenital. Identifiers: Orphanet 3449, MedGen C0265313, MONDO:0018096.
Familial thoracic aortic aneurysm and aortic dissection (TAAD). Also called: Thoracic aortic aneurysms and dissections. Identifiers: Orphanet 91387, MedGen C4707243, MONDO:0019625.
Marfan syndrome (MFS). Also called: MARFAN SYNDROME, TYPE I; Marfan syndrome, classic; FBN1-Related Marfan Syndrome; Marfan syndrome type 1; Marfan's syndrome. Identifiers: Orphanet 284963, Orphanet 558, MedGen C0024796, MONDO:0007947, OMIM 154700.
Acromicric dysplasia (ACMICD). Also called: Acromicric skeletal dysplasia. Identifiers: Orphanet 969, MedGen C0265287, MONDO:0007055, OMIM 102370.
Stiff skin syndrome (SSKS). Identifiers: Orphanet 2833, MedGen C1861456, MONDO:0008492, OMIM 184900.
Ectopia lentis 1, isolated, autosomal dominant (ECTOL1). Identifiers: Orphanet 1885, MedGen C3541518, MONDO:0007514, OMIM 129600.
FBN1-related disorder. Also called: FBN1-related disorders.

Allele frequency attached by ClinVar (database versions not stated): TOPMed 0.00330; gnomAD exomes 0.00067 and 0.00025; 1000 Genomes Project 0.00220; gnomAD 0.00287 and 0.00314; ExAC 0.00077; 1000 Genomes Project 30x 0.00234; ESP Exome Variant Server 0.00269.
gnomAD v4.1: 834 of 1,614,108 alleles (0.052%); highest among the groups gnomAD compares: African/African-American, 0.98%; 3 homozygotes.

Submissions (22):

CeGaT Center for Human Genetics Tuebingen
Classification: Likely benign. Last evaluated: 2026-09-01. Review status: criteria provided, single submitter. Criteria: CeGaT Center For Human Genetics Tuebingen Variant Classification Criteria Version 2. Collection method: clinical testing. Allele origin: germline. Affected: yes. Observed: 1 variant allele.
Comment: FBN1: BP4, BP7, BS1

Labcorp Genetics (formerly Invitae), Labcorp
Classification: Benign for Marfan syndrome; Familial thoracic aortic aneurysm and aortic dissection. Last evaluated: 2026-02-02. Review status: criteria provided, single submitter. Criteria: Invitae Variant Classification Sherloc (09022015). Collection method: clinical testing. Allele origin: germline.

ARUP Laboratories, Molecular Genetics and Genomics, ARUP Laboratories
Classification: Benign. Last evaluated: 2025-01-06. Review status: criteria provided, single submitter. Criteria: ARUP Molecular Germline Variant Investigation Process 2024. Collection method: clinical testing. Allele origin: germline.

Blueprint Genetics
Classification: Likely benign. Last evaluated: 2024-10-09. Review status: criteria provided, single submitter. Criteria: ACMG Guidelines, 2015. Collection method: clinical testing. Allele origin: germline.

All of Us Research Program, National Institutes of Health
Classification: Benign for Marfan syndrome. Last evaluated: 2024-02-05. Review status: criteria provided, single submitter. Criteria: ACMG Guidelines, 2015. Collection method: clinical testing. Allele origin: germline. Inheritance: Autosomal dominant inheritance. Observed: 177 variant alleles, 177 heterozygotes.
Comment: This study involves interpretation of variants in research participants for the purpose of population health screening. Participant phenotype was not available at the time of variant classification. Additional details can be found in publication PMID: 35346344, PMCID: PMC8962531

Color Diagnostics, LLC DBA Color Health
Classification: Benign for Familial thoracic aortic aneurysm and aortic dissection. Last evaluated: 2018-09-28. Review status: criteria provided, single submitter. Criteria: ACMG Guidelines, 2015. Collection method: clinical testing. Allele origin: germline.

Illumina Laboratory Services, Illumina
Classification: Likely benign for Acromicric dysplasia. Last evaluated: 2018-02-22. Review status: criteria provided, single submitter. Criteria: ICSL Variant Classification Criteria 13 December 2019. Collection method: clinical testing. Allele origin: germline.
Comment: This variant was observed as part of a predisposition screen in an ostensibly healthy population. A literature search was performed for the gene, cDNA change, and amino acid change (where applicable). No publications were found based on this search. Allele frequency data from public databases allowed determination this variant is unlikely to cause disease. Therefore, this variant is classified as likely benign.

Illumina Laboratory Services, Illumina
Classification: Likely benign for Stiff skin syndrome. Last evaluated: 2018-02-22. Review status: criteria provided, single submitter. Criteria: ICSL Variant Classification Criteria 13 December 2019. Collection method: clinical testing. Allele origin: germline.
Comment: the same text as in the submission from Illumina Laboratory Services, Illumina above.

Illumina Laboratory Services, Illumina
Classification: Likely benign for Marfan syndrome. Last evaluated: 2018-02-22. Review status: criteria provided, single submitter. Criteria: ICSL Variant Classification Criteria 13 December 2019. Collection method: clinical testing. Allele origin: germline.
Comment: the same text as in the submission from Illumina Laboratory Services, Illumina above.

Illumina Laboratory Services, Illumina
Classification: Likely benign for Familial thoracic aortic aneurysm and aortic dissection. Last evaluated: 2018-02-22. Review status: criteria provided, single submitter. Criteria: ICSL Variant Classification Criteria 13 December 2019. Collection method: clinical testing. Allele origin: germline.
Comment: the same text as in the submission from Illumina Laboratory Services, Illumina above.

Illumina Laboratory Services, Illumina
Classification: Likely benign for Ectopia lentis 1, isolated, autosomal dominant. Last evaluated: 2018-02-22. Review status: criteria provided, single submitter. Criteria: ICSL Variant Classification Criteria 13 December 2019. Collection method: clinical testing. Allele origin: germline.
Comment: the same text as in the submission from Illumina Laboratory Services, Illumina above.

Illumina Laboratory Services, Illumina
Classification: Likely benign for Weill-Marchesani syndrome. Last evaluated: 2018-02-22. Review status: criteria provided, single submitter. Criteria: ICSL Variant Classification Criteria 13 December 2019. Collection method: clinical testing. Allele origin: germline.
Comment: the same text as in the submission from Illumina Laboratory Services, Illumina above.

Illumina Laboratory Services, Illumina
Classification: Likely benign for Geleophysic dysplasia. Last evaluated: 2018-02-22. Review status: criteria provided, single submitter. Criteria: ICSL Variant Classification Criteria 13 December 2019. Collection method: clinical testing. Allele origin: germline.
Comment: the same text as in the submission from Illumina Laboratory Services, Illumina above.

Eurofins Ntd Llc (ga)
Classification: Benign. Last evaluated: 2015-11-06. Review status: criteria provided, single submitter. Criteria: EGL Classification Definitions 2015. Collection method: clinical testing. Allele origin: germline. Observed: 1 variant allele, 1 heterozygote.

Ambry Genetics
Classification: Benign for Familial thoracic aortic aneurysm and aortic dissection. Last evaluated: 2015-09-09. Review status: criteria provided, single submitter. Criteria: Ambry Variant Classification Scheme 2023. Collection method: clinical testing. Allele origin: germline.

GeneDx
Classification: Benign. Last evaluated: 2014-09-22. Review status: criteria provided, single submitter. Criteria: GeneDx Variant Classification (06012015). Collection method: clinical testing. Allele origin: germline. Affected: yes.
Comment: This variant is considered likely benign or benign based on one or more of the following criteria: it is a conservative change, it occurs at a poorly conserved position in the protein, it is predicted to be benign by multiple in silico algorithms, and/or has population frequency not consistent with disease.

Laboratory for Molecular Medicine, Mass General Brigham Personalized Medicine
Classification: Benign. Last evaluated: 2014-08-18. Review status: criteria provided, single submitter. Criteria: LMM Criteria. Collection method: clinical testing. Allele origin: germline. Observed: 1 variant allele.
Comment: Thr2761Thr in Exon 65 of FBN1: This variant is not expected to have clinical sig nificance because it does not alter an amino acid residue, is not located within the splice consensus sequence and has been identified in 0.8% (35/4396) of Afri can American chromosomes from a broad population by the NHLBI Exome Sequencing P roject (dbSNP rs146120912).

Women's Health and Genetics/Laboratory Corporation of America, LabCorp
Classification: Likely benign for Marfan Syndrome. Last evaluated: 2011-08-18. Review status: criteria provided, single submitter. Criteria: LabCorp Variant Classification Summary - May 2015. Collection method: curation, clinical testing. Allele origin: germline. Inheritance: autosomal unknown. Affected: yes.
ClinVar note: Converted during submission from likely benign to Likely benign.

Breakthrough Genomics
Classification: Likely benign. Review status: criteria provided, single submitter. Criteria: ACMG Guidelines, 2015. Collection method: not provided. Allele origin: germline. Inheritance: Autosomal dominant inheritance. Affected: yes.

PreventionGenetics, part of Exact Sciences
Classification: Benign for FBN1-related condition. Last evaluated: 2020-08-28. Review status: no assertion criteria provided. Collection method: clinical testing. Allele origin: germline. Not counted in ClinVar's aggregate classification.
Comment: This variant is classified as benign based on ACMG/AMP sequence variant interpretation guidelines (Richards et al. 2015 PMID: 25741868, with internal and published modifications).

Clinical Genetics DNA and cytogenetics Diagnostics Lab, Erasmus MC, Erasmus Medical Center
Classification: Likely benign. Review status: no assertion criteria provided. Collection method: clinical testing. Allele origin: germline. Affected: yes. Study: VKGL Data-share Consensus. Not counted in ClinVar's aggregate classification.

Genome Diagnostics Laboratory, Amsterdam University Medical Center
Classification: Benign. Review status: no assertion criteria provided. Collection method: clinical testing. Allele origin: germline. Affected: yes. Study: VKGL Data-share Consensus. Not counted in ClinVar's aggregate classification.

NM_000138.5(FBN1):c.8283A>T (p.Thr2761=)

Gene: FBN1 (fibrillin 1; minus strand). Cytogenetic location: 15q21.1.
Variant type: single nucleotide variant.
Coding change: c.8283A>T on transcript NM_000138.5 (MANE Select); coding-DNA position 8283, A replaced by T.
Protein change: p.Thr2761=; no amino-acid change (threonine 2761 retained).
Molecular consequence: synonymous variant.
Genome position (GRCh38, 1-based): chr15:48,411,323, T>A on the plus strand (A>T on the coding strand, the complement: FBN1 is on the minus strand). VCF-style: chr15-48411323-T-A. GRCh37 (hg19) VCF-style: chr15-48703520-T-A.
Other names: p.T2761T:ACA>ACT.
Identifiers: ClinVar variation 36128 (VCV000036128.44), dbSNP rs146120912, ClinGen allele CA017678.